The following is an entry in ClinVar:

ClinVar aggregate classification (germline): Uncertain significance (1 of 4 stars; one submission).

Conditions:
Holoprosencephaly 2 (HPE2). Identifiers: Orphanet 2162, MedGen C1834877, MONDO:0007999, OMIM 157170.

Submission:

Labcorp Genetics (formerly Invitae), Labcorp
Classification: Uncertain significance for Holoprosencephaly 2. Last evaluated: 2024-10-15. Review status: criteria provided, single submitter. Criteria: Invitae Variant Classification Sherloc (09022015). Collection method: clinical testing. Allele origin: germline.
Comment: This variant, c.905_913del, results in the deletion of 3 amino acid(s) of the SIX3 protein (p.Ser302_Thr304del), but otherwise preserves the integrity of the reading frame. This variant is not present in population databases (gnomAD no frequency). This variant has not been reported in the literature in individuals affected with SIX3-related conditions. Experimental studies and prediction algorithms are not available or were not evaluated, and the functional significance of this variant is currently unknown. In summary, the available evidence is currently insufficient to determine the role of this variant in disease. Therefore, it has been classified as a Variant of Uncertain Significance.

NM_005413.4(SIX3):c.905_913del (p.Ser302_Thr304del)

Gene: SIX3 (SIX homeobox 3; plus strand). Cytogenetic location: 2p21.
Variant type: Deletion.
Coding change: c.905_913del on transcript NM_005413.4 (MANE Select); coding-DNA positions 905 to 913, 9 bases deleted (GCCCGACCA; older notation c.905_913delGCCCGACCA).
Protein change: p.Ser302_Thr304del.
Molecular consequence: inframe deletion.
Genome position (GRCh38, 1-based): chr2:44,944,666-44,944,674, GCCCGACCA deleted; deleting any 9 consecutive bases within chr2:44,944,663-44,944,674 gives the same sequence; the c. name uses the placement nearest the transcript's 3' end. VCF-style (leftmost placement, unchanged base first): chr2-44944662-GCCAGCCCGA-G. GRCh37 (hg19) VCF-style: chr2-45171801-GCCAGCCCGA-G.
Identifiers: ClinVar variation 2777349 (VCV002777349.3), dbSNP rs2466518650, ClinGen allele CA2739274365.